The following is an entry in ClinVar:

ClinVar aggregate classification (germline): Uncertain significance. Review status: criteria provided, multiple submitters, no conflicts (2 of 4 stars). 2 submissions from 2 submitters: Uncertain significance (2). Last evaluated 2024-08-14.

Conditions:
Renal cell carcinoma. Identifiers: Orphanet 217071, MedGen C0007134, MeSH D002292, MONDO:0005086, HP:0005584.

Allele frequency attached by ClinVar (database versions not stated): gnomAD exomes below 0.00001.
gnomAD v4.1: 1 of 1,614,120 alleles (0.000062%); highest among the groups gnomAD compares: Non-Finnish European, 0.000085%; no homozygotes.

Submissions (2):

GeneDx
Classification: Uncertain significance. Last evaluated: 2024-08-14. Review status: criteria provided, single submitter. Criteria: GeneDx Variant Classification Process June 2021. Collection method: clinical testing. Allele origin: germline. Affected: yes.
Comment: Not observed at significant frequency in large population cohorts (gnomAD); In silico analysis indicates that this missense variant does not alter protein structure/function; Has not been previously published as pathogenic or benign to our knowledge

Labcorp Genetics (formerly Invitae), Labcorp
Classification: Uncertain significance for Renal cell carcinoma. Last evaluated: 2023-09-26. Review status: criteria provided, single submitter. Criteria: Invitae Variant Classification Sherloc (09022015). Collection method: clinical testing. Allele origin: germline.
Comment: In summary, the available evidence is currently insufficient to determine the role of this variant in disease. Therefore, it has been classified as a Variant of Uncertain Significance. Advanced modeling of protein sequence and biophysical properties (such as structural, functional, and spatial information, amino acid conservation, physicochemical variation, residue mobility, and thermodynamic stability) performed at Invitae indicates that this missense variant is not expected to disrupt MET protein function. This variant has not been reported in the literature in individuals affected with MET-related conditions. This variant is not present in population databases (gnomAD no frequency). This sequence change replaces isoleucine, which is neutral and non-polar, with valine, which is neutral and non-polar, at codon 279 of the MET protein (p.Ile279Val).

NM_000245.4(MET):c.835A>G (p.Ile279Val)

Gene: MET (MET proto-oncogene, receptor tyrosine kinase; plus strand). Cytogenetic location: 7q31.2.
Variant type: single nucleotide variant.
Coding change: c.835A>G on transcript NM_000245.4 (MANE Select); coding-DNA position 835, A replaced by G.
Protein change: p.Ile279Val; replaces isoleucine 279 with valine.
Molecular consequence: missense variant. On other transcripts: intron variant (1).
Genome position (GRCh38, 1-based): chr7:116,699,919, A>G. VCF-style: chr7-116699919-A-G. GRCh37 (hg19) VCF-style: chr7-116339973-A-G.
Other names: c.835A>G, p.Ile279Val (NM_001127500.3, NM_001324401.3); c.-91+27342A>G (NM_001324402.2); short protein forms I279V.
Identifiers: ClinVar variation 2763411 (VCV002763411.4), dbSNP rs2116599152, ClinGen allele CA368969954.